The following is an entry in ClinVar:

ClinVar aggregate classification (germline): Uncertain significance (1 of 4 stars; one submission).

Allele frequency attached by ClinVar (database versions not stated): gnomAD 0.00001; TOPMed 0.00001.
gnomAD v4.1: 1 of 1,550,248 alleles (0.000065%); highest among the groups gnomAD compares: African/African-American, 0.0014%; no homozygotes.

Submission:

Labcorp Genetics (formerly Invitae), Labcorp
Classification: Uncertain significance. Last evaluated: 2022-11-14. Review status: criteria provided, single submitter. Criteria: Invitae Variant Classification Sherloc (09022015). Collection method: clinical testing. Allele origin: germline.
Comment: This sequence change replaces glutamine, which is neutral and polar, with arginine, which is basic and polar, at codon 190 of the CCDC141 protein (p.Gln190Arg). This variant is present in population databases (no rsID available, gnomAD 0.01%). This variant has not been reported in the literature in individuals affected with CCDC141-related conditions. Algorithms developed to predict the effect of missense changes on protein structure and function are either unavailable or do not agree on the potential impact of this missense change (SIFT: "Deleterious"; PolyPhen-2: "Possibly Damaging"; Align-GVGD: "Class C0"). In summary, the available evidence is currently insufficient to determine the role of this variant in disease. Therefore, it has been classified as a Variant of Uncertain Significance.

NM_173648.4(CCDC141):c.569A>G (p.Gln190Arg)

Gene: CCDC141 (coiled-coil domain containing 141; minus strand). Cytogenetic location: 2q31.2.
Variant type: single nucleotide variant.
Coding change: c.569A>G on transcript NM_173648.4 (MANE Select); coding-DNA position 569, A replaced by G.
Protein change: p.Gln190Arg; replaces glutamine 190 with arginine.
Molecular consequence: missense variant.
Genome position (GRCh38, 1-based): chr2:178,961,441, T>C on the plus strand (A>G on the coding strand, the complement: CCDC141 is on the minus strand). VCF-style: chr2-178961441-T-C. GRCh37 (hg19) VCF-style: chr2-179826168-T-C.
Other names: c.569A>G, p.Gln190Arg (NM_001316745.2); short protein forms Q190R.
Identifiers: ClinVar variation 2997736 (VCV002997736.3), dbSNP rs1356026769, ClinGen allele CA349713059.